The following is an entry in ClinVar:

NM_014727.3(KMT2B):c.338G>A (p.Ser113Asn)

Gene: KMT2B (lysine methyltransferase 2B; plus strand). Cytogenetic location: 19q13.12.
Variant type: single nucleotide variant.
Coding change: c.338G>A on transcript NM_014727.3 (MANE Select); coding-DNA position 338, G replaced by A.
Protein change: p.Ser113Asn; replaces serine 113 with asparagine.
Molecular consequence: missense variant.
Genome position (GRCh38, 1-based): chr19:35,718,356, G>A. VCF-style: chr19-35718356-G-A. GRCh37 (hg19) VCF-style: chr19-36209258-G-A.
Other names: short protein forms S113N.
Identifiers: ClinVar variation 1698353 (VCV001698353.9), dbSNP rs550823797, ClinGen allele CA9383975.

ClinVar aggregate classification (germline): Uncertain significance. Review status: criteria provided, multiple submitters, no conflicts (2 of 4 stars). 3 submissions from 3 submitters: Uncertain significance (3). Last evaluated 2024-08-12.

Allele frequency attached by ClinVar (database versions not stated): TOPMed below 0.00001; gnomAD 0.00003; gnomAD exomes 0.00003; ExAC 0.00020; 1000 Genomes Project 30x 0.00047; 1000 Genomes Project 0.00100.
gnomAD v4.1: 40 of 1,268,190 alleles (0.0032%); highest among the groups gnomAD compares: South Asian, 0.14%; 1 homozygote.

Submissions (3):

Blueprint Genetics
Classification: Uncertain significance. Last evaluated: 2024-08-12. Review status: criteria provided, single submitter. Criteria: ACMG Guidelines, 2015. Collection method: clinical testing. Allele origin: germline.

Labcorp Genetics (formerly Invitae), Labcorp
Classification: Uncertain significance. Last evaluated: 2024-01-27. Review status: criteria provided, single submitter. Criteria: Invitae Variant Classification Sherloc (09022015). Collection method: clinical testing. Allele origin: germline.
Comment: This sequence change replaces serine, which is neutral and polar, with asparagine, which is neutral and polar, at codon 113 of the KMT2B protein (p.Ser113Asn). The frequency data for this variant in the population databases is considered unreliable, as metrics indicate poor data quality at this position in the gnomAD database. This variant has not been reported in the literature in individuals affected with KMT2B-related conditions. ClinVar contains an entry for this variant (Variation ID: 1698353). Advanced modeling of protein sequence and biophysical properties (such as structural, functional, and spatial information, amino acid conservation, physicochemical variation, residue mobility, and thermodynamic stability) performed at Invitae indicates that this missense variant is not expected to disrupt KMT2B protein function with a negative predictive value of 80%. In summary, the available evidence is currently insufficient to determine the role of this variant in disease. Therefore, it has been classified as a Variant of Uncertain Significance.

GeneDx
Classification: Uncertain significance. Last evaluated: 2022-01-20. Review status: criteria provided, single submitter. Criteria: GeneDx Variant Classification Process June 2021. Collection method: clinical testing. Allele origin: germline. Affected: yes.
Comment: In silico analysis supports that this missense variant does not alter protein structure/function; Has not been previously published as pathogenic or benign to our knowledge